The following is an entry in ClinVar:

ClinVar aggregate classification (germline): Likely benign. Review status: criteria provided, multiple submitters, no conflicts (2 of 4 stars). 4 submissions from 4 submitters: Likely benign (4). Last evaluated 2026-01-27.

Allele frequency attached by ClinVar (database versions not stated): 1000 Genomes Project 30x 0.00016; 1000 Genomes Project 0.00020; gnomAD exomes 0.00055 and 0.00123; gnomAD 0.00061 and 0.00062; TOPMed 0.00069; ESP Exome Variant Server 0.00092; ExAC 0.00102.

Submissions (4):

Labcorp Genetics (formerly Invitae), Labcorp
Classification: Likely benign. Last evaluated: 2026-01-27. Review status: criteria provided, single submitter. Criteria: Invitae Variant Classification Sherloc (09022015). Collection method: clinical testing. Allele origin: germline.

CeGaT Center for Human Genetics Tuebingen
Classification: Likely benign. Last evaluated: 2024-03-01. Review status: criteria provided, single submitter. Criteria: CeGaT Center For Human Genetics Tuebingen Variant Classification Criteria Version 2. Collection method: clinical testing. Allele origin: germline. Affected: yes. Observed: 2 variant alleles.
Comment: FAT4: BP4, BP7

GeneDx
Classification: Likely benign. Last evaluated: 2016-08-08. Review status: criteria provided, single submitter. Criteria: GeneDx Variant Classification (06012015). Collection method: clinical testing. Allele origin: germline. Affected: yes.
Comment: This variant is considered likely benign or benign based on one or more of the following criteria: it is a conservative change, it occurs at a poorly conserved position in the protein, it is predicted to be benign by multiple in silico algorithms, and/or has population frequency not consistent with disease.

Breakthrough Genomics
Classification: Likely benign. Review status: criteria provided, single submitter. Criteria: ACMG Guidelines, 2015. Collection method: not provided. Allele origin: germline. Inheritance: Autosomal recessive inheritance. Affected: yes.

NM_001291303.3(FAT4):c.9810G>A (p.Val3270=)

Gene: FAT4 (FAT atypical cadherin 4; plus strand). Cytogenetic location: 4q28.1.
Variant type: single nucleotide variant.
Coding change: c.9810G>A on transcript NM_001291303.3 (MANE Select); coding-DNA position 9810, G replaced by A.
Protein change: p.Val3270=; no amino-acid change (valine 3270 retained).
Molecular consequence: synonymous variant.
Genome position (GRCh38, 1-based): chr4:125,450,820, G>A. VCF-style: chr4-125450820-G-A. GRCh37 (hg19) VCF-style: chr4-126371975-G-A.
Other names: c.9810G>A, p.Val3270= (NM_001291285.3); c.9804G>A, p.Val3268= (NM_024582.6).
Identifiers: ClinVar variation 388316 (VCV000388316.34), dbSNP rs139518045, ClinGen allele CA3073583.